The following is an entry in ClinVar:

ClinVar aggregate classification (germline): Uncertain significance (1 of 4 stars; one submission).

Conditions:
Hereditary sensory neuropathy-deafness-dementia syndrome. Also called: HSN IE; Hereditary Sensory and Autonomic Neuropathy Type 1E (HSAN1E); Hereditary sensory neuropathy type IE; NEUROPATHY, HEREDITARY SENSORY, WITH HEARING LOSS AND DEMENTIA. Identifiers: Orphanet 456318, MedGen C3279885, MONDO:0013584, OMIM 614116.

Submission:

Labcorp Genetics (formerly Invitae), Labcorp
Classification: Uncertain significance for Hereditary sensory neuropathy-deafness-dementia syndrome. Last evaluated: 2024-04-09. Review status: criteria provided, single submitter. Criteria: Invitae Variant Classification Sherloc (09022015). Collection method: clinical testing. Allele origin: germline.
Comment: This sequence change falls in intron 13 of the DNMT1 gene. It does not directly change the encoded amino acid sequence of the DNMT1 protein. The frequency data for this variant in the population databases is considered unreliable, as metrics indicate poor data quality at this position in the gnomAD database. This variant has not been reported in the literature in individuals affected with DNMT1-related conditions. Experimental studies and prediction algorithms are not available or were not evaluated, and the effect of this variant on mRNA splicing is currently unknown. In summary, the available evidence is currently insufficient to determine the role of this variant in disease. Therefore, it has been classified as a Variant of Uncertain Significance.

NM_001130823.3(DNMT1):c.1008+18_1008+34del

Gene: DNMT1 (DNA methyltransferase 1; minus strand). Cytogenetic location: 19p13.2.
Variant type: Deletion.
Coding change: c.1008+18_1008+34del on transcript NM_001130823.3 (MANE Select); bases 18 to 34 of the intron after coding-DNA position 1008, 17 bases deleted (CTTTCTTTCTTTTTTTT).
Molecular consequence: intron variant.
Genome position (GRCh38, 1-based): chr19:10,162,633-10,162,649, AAAAAAAAGAAAGAAAG deleted on the plus strand (CTTTCTTTCTTTTTTTT on the coding strand, the reverse complement: DNMT1 is on the minus strand); deleting any 17 consecutive bases within chr19:10,162,633-10,162,653 gives the same sequence; the c. name uses the placement nearest the transcript's 3' end. VCF-style (leftmost placement, unchanged base first): chr19-10162632-AAAAAAAAAGAAAGAAAG-A. GRCh37 (hg19) VCF-style: chr19-10273308-AAAAAAAAAGAAAGAAAG-A.
Other names: c.645+18_645+34del (NM_001318731.2); c.960+18_960+34del (NM_001379.4, NM_001318730.2).
Identifiers: ClinVar variation 3708650 (VCV003708650.2).